The following is an entry in ClinVar:

ClinVar aggregate classification (germline): Pathogenic/Likely pathogenic. Review status: criteria provided, multiple submitters, no conflicts (2 of 4 stars). 4 submissions from 4 submitters: Pathogenic (3); Likely pathogenic (1). Last evaluated 2025-05-23.

Conditions:
Osteogenesis imperfecta type I (OI1). Also called: OI, TYPE I; OSTEOGENESIS IMPERFECTA TARDA; OSTEOGENESIS IMPERFECTA WITH BLUE SCLERAE; Osteogenesis imperfecta type 1; Lobstein's Disease; Lobstein disease. Identifiers: Orphanet 216796, Orphanet 666, MedGen C0023931, MONDO:0008146, OMIM 166200. Disease mechanism: loss of function.
Osteogenesis imperfecta with normal sclerae, dominant form (OI4). Also called: OSTEOGENESIS IMPERFECTA, TYPE IV, WITH DENTINOGENESIS IMPERFECTA; OSTEOGENESIS IMPERFECTA WITH NORMAL SCLERAE; Osteogenesis imperfecta type 4; Osteogenesis Imperfecta Type IV; Common Variable Osteogenesis Imperfecta with Normal Sclerae. Identifiers: Orphanet 216820, Orphanet 666, MedGen C0268363, MONDO:0008148, OMIM 166220.
COL1A1-related disorder. Also called: COL1A1-related condition; COL1A1- related disease.

Submissions (4):

Clinical Biomedical Laboratory, Shriners Hospital For Children - Canada
Classification: Pathogenic for Osteogenesis imperfecta with normal sclerae, dominant form. Last evaluated: 2025-05-23. Review status: criteria provided, single submitter. Criteria: ACMG Guidelines, 2015. Collection method: clinical testing. Allele origin: germline. Affected: yes.
Comment: This variant is predicted to substitute an aspartate residue by a histidine residue in the alpha 1 chain of collagen type I. This variant affects the C-propeptide of the alpha 1 chain of collagen type I. C-propeptide variants interfere with the association of alpha chains of collagen type I. This variant is absent from the Genome Aggregation Database (v2.1.1), indicating it is rare. This variant has been reported in the literature as a cause of osteogenesis imperfecta (PMID 27509835). Computational tools: (Revel 0.96) suggest that the change is detrimental to protein function.

Mayo Clinic Laboratories, Mayo Clinic
Classification: Likely pathogenic. Last evaluated: 2024-07-22. Review status: criteria provided, single submitter. Criteria: ACMG Guidelines, 2015. Collection method: clinical testing. Allele origin: germline. Observed: 1 variant allele.
Comment: PP3, PM2, PM5, PM6, PS4_moderate

Labcorp Genetics (formerly Invitae), Labcorp
Classification: Pathogenic for Osteogenesis imperfecta type I. Last evaluated: 2024-05-19. Review status: criteria provided, single submitter. Criteria: Invitae Variant Classification Sherloc (09022015). Collection method: clinical testing. Allele origin: germline.
Comment: This sequence change replaces aspartic acid, which is acidic and polar, with histidine, which is basic and polar, at codon 1441 of the COL1A1 protein (p.Asp1441His). This variant is not present in population databases (gnomAD no frequency). This missense change has been observed in individual(s) with osteogenesis imperfecta (PMID: 19199251, 27509835). In at least one individual the variant was observed to be de novo. ClinVar contains an entry for this variant (Variation ID: 850851). Advanced modeling of protein sequence and biophysical properties (such as structural, functional, and spatial information, amino acid conservation, physicochemical variation, residue mobility, and thermodynamic stability) performed at Invitae indicates that this missense variant is expected to disrupt COL1A1 protein function with a positive predictive value of 95%. This variant disrupts the p.Asp1441 amino acid residue in COL1A1. Other variant(s) that disrupt this residue have been determined to be pathogenic (PMID: 11826020, 25146735). This suggests that this residue is clinically significant, and that variants that disrupt this residue are likely to be disease-causing. For these reasons, this variant has been classified as Pathogenic.

Blueprint Genetics
Classification: Pathogenic for COL1A1-related disorders. Last evaluated: 2021-06-15. Review status: criteria provided, single submitter. Criteria: ACMG Guidelines, 2015. Collection method: clinical testing. Allele origin: de novo. Affected: yes. Observed: 2 variant alleles.

Literature cited by the submitters: PubMed 27509835 (cited by 3 submitters); PubMed 19199251 (cited by Mayo Clinic Laboratories, Mayo Clinic and Labcorp Genetics (formerly Invitae), Labcorp); PubMed 22913777 (cited by Mayo Clinic Laboratories, Mayo Clinic); PubMed 23548228 (cited by Mayo Clinic Laboratories, Mayo Clinic); PubMed 38744219 (cited by Mayo Clinic Laboratories, Mayo Clinic); PubMed 11826020 (cited by Labcorp Genetics (formerly Invitae), Labcorp); PubMed 25146735 (cited by Labcorp Genetics (formerly Invitae), Labcorp).

NM_000088.4(COL1A1):c.4321G>C (p.Asp1441His)

Gene: COL1A1 (collagen type I alpha 1 chain; minus strand). Cytogenetic location: 17q21.33.
Variant type: single nucleotide variant.
Coding change: c.4321G>C on transcript NM_000088.4 (MANE Select); coding-DNA position 4321, G replaced by C.
Protein change: p.Asp1441His; replaces aspartic acid 1441 with histidine.
Molecular consequence: missense variant.
Genome position (GRCh38, 1-based): chr17:50,185,576, C>G on the plus strand (G>C on the coding strand, the complement: COL1A1 is on the minus strand). VCF-style: chr17-50185576-C-G. GRCh37 (hg19) VCF-style: chr17-48262937-C-G.
Other names: p.Asp1441His; short protein forms D1441H.
Identifiers: ClinVar variation 850851 (VCV000850851.13), dbSNP rs72656351, ClinGen allele CA400190398.